The following is an entry in ClinVar:

ClinVar aggregate classification (germline): Benign/Likely benign. Review status: criteria provided, multiple submitters, no conflicts (2 of 4 stars). 4 submissions from 4 submitters: Benign (2); Likely benign (2). Last evaluated 2026-06-01.

Conditions:
Inborn genetic diseases. Identifiers: MedGen C0950123, MeSH D030342.

Allele frequency attached by ClinVar (database versions not stated): 1000 Genomes Project 30x 0.00016; gnomAD exomes 0.00021; ExAC 0.00046.
gnomAD v4.1: 301 of 1,340,914 alleles (0.022%); highest among the groups gnomAD compares: South Asian, 0.1%; 1 homozygote.

Submissions (4):

CeGaT Center for Human Genetics Tuebingen
Classification: Likely benign. Last evaluated: 2026-06-01. Review status: criteria provided, single submitter. Criteria: CeGaT Center For Human Genetics Tuebingen Variant Classification Criteria Version 2. Collection method: clinical testing. Allele origin: germline. Affected: yes. Observed: 3 variant alleles.
Comment: ARID1B: BP4, BP7, BS1

Labcorp Genetics (formerly Invitae), Labcorp
Classification: Benign. Last evaluated: 2025-09-16. Review status: criteria provided, single submitter. Criteria: Invitae Variant Classification Sherloc (09022015). Collection method: clinical testing. Allele origin: germline.

GeneDx
Classification: Benign. Last evaluated: 2020-06-19. Review status: criteria provided, single submitter. Criteria: GeneDx Variant Classification Process June 2021. Collection method: clinical testing. Allele origin: germline. Affected: yes.

Ambry Genetics
Classification: Likely benign for Inborn genetic diseases. Last evaluated: 2018-08-17. Review status: criteria provided, single submitter. Criteria: Ambry Variant Classification Scheme 2023. Collection method: clinical testing. Allele origin: germline.

NM_001374828.1(ARID1B):c.1518C>T (p.Leu506=)

Gene: ARID1B (AT-rich interaction domain 1B; plus strand). Cytogenetic location: 6q25.3.
Variant type: single nucleotide variant.
Coding change: c.1518C>T on transcript NM_001374828.1 (MANE Select); coding-DNA position 1518, C replaced by T.
Protein change: p.Leu506=; no amino-acid change (leucine 506 retained).
Molecular consequence: synonymous variant.
Genome position (GRCh38, 1-based): chr6:156,779,198, C>T. VCF-style: chr6-156779198-C-T. GRCh37 (hg19) VCF-style: chr6-157100332-C-T.
Other names: c.1269C>T (NM_020732.3); c.1518C>T, p.Leu506= (NM_001371656.1, NM_001374820.1, NM_017519.3).
Identifiers: ClinVar variation 1232943 (VCV001232943.17), dbSNP rs747947340, ClinGen allele CA4066749.
Genomic context (GRCh38, chr6:156,779,198, plus strand): 5'-GCGCTTCGCCGGCCAGAACCAGCACCCGTCGGGGGCCACCCCGACCCTCAATCAGCTGCT[C>T]ACCTCGCCCAGCCCCATGATGCGGAGCTACGGCGGCAGCTACCCCGAGTACAGCAGCCCC-3'
Protein context (NP_001361757.1, residues 496-516): SGATPTLNQL[Leu506=]TSPSPMMRSY